The following is an entry in ClinVar:

NM_001267550.2(TTN):c.49338T>A (p.Tyr16446Ter)

Genes: TTN (titin; minus strand), TTN-AS1 (TTN antisense RNA 1; plus strand). Cytogenetic location: 2q31.2.
Variant type: single nucleotide variant.
Coding change: c.49338T>A on transcript NM_001267550.2 (MANE Select); coding-DNA position 49338, T replaced by A.
Protein change: p.Tyr16446Ter; replaces tyrosine 16446 with a stop codon.
Molecular consequence: nonsense. On other transcripts: non-coding transcript variant (1).
Genome position (GRCh38, 1-based): chr2:178,614,059, A>T on the plus strand (T>A on the coding strand, the complement: TTN is on the minus strand). VCF-style: chr2-178614059-A-T. GRCh37 (hg19) VCF-style: chr2-179478786-A-T.
Other names: c.44415T>A, p.Tyr14805Ter (NM_001256850.1); c.22143T>A, p.Tyr7381Ter (NM_003319.4); c.41634T>A, p.Tyr13878Ter (NM_133378.4); c.22518T>A, p.Tyr7506Ter (NM_133432.3); c.22719T>A, p.Tyr7573Ter (NM_133437.4); short protein forms Y14805*, Y7573*, Y13878*, Y16446*, Y7381*, Y7506*.
Identifiers: ClinVar variation 2566403 (VCV002566403.2), dbSNP rs2470642551, ClinGen allele CA349605201.

ClinVar aggregate classification (germline): Likely pathogenic (1 of 4 stars; one submission).

Conditions:
Cardiovascular phenotype. Identifiers: MedGen CN230736.

Submission:

Ambry Genetics
Classification: Likely pathogenic for Cardiovascular phenotype. Last evaluated: 2023-05-08. Review status: criteria provided, single submitter. Criteria: Ambry Variant Classification Scheme 2023. Collection method: clinical testing. Allele origin: germline.
Comment: The p.Y7381* variant (also known as c.22143T>A), located in coding exon 89 of the TTN gene, results from a T to A substitution at nucleotide position 22143. This changes the amino acid from a tyrosine to a stop codon within coding exon 89. This exon is located in the A-band region of the N2-B isoform of the titin protein and is constitutively expressed in TTN transcripts (percent spliced in or PSI 100%). This variant is considered to be rare based on population cohorts in the Genome Aggregation Database (gnomAD). This alteration is expected to result in loss of function by premature protein truncation or nonsense-mediated mRNA decay. While truncating variants in TTN are present in 1-3% of the general population, truncating variants in the A-band are the most common cause of dilated cardiomyopathy (DCM) (Herman DS et al. N. Engl. J. Med., 2012 Feb;366:619-28; Roberts AM et al. Sci Transl Med, 2015 Jan;7:270ra6). TTN truncating variants encoded in constitutive exons (PSI >90%) have been found to be significantly associated with DCM regardless of their position in titin (Schafer S et al. Nat. Genet., 2017 01;49:46-53). Based on the majority of available evidence to date, this variant is likely to be pathogenic.